The following is an entry in ClinVar:

ClinVar aggregate classification (germline): Uncertain significance. Review status: criteria provided, multiple submitters, no conflicts (2 of 4 stars). 2 submissions from 2 submitters: Uncertain significance (2). Last evaluated 2026-06-09.

Conditions:
Rhabdoid tumor predisposition syndrome 2 (RTPS2). Identifiers: Orphanet 231108, Orphanet 69077, MedGen C2750074, MONDO:0013224, OMIM 613325.
Hereditary cancer-predisposing syndrome. Also called: Tumor predisposition; Hereditary Cancer Syndrome; Neoplastic Syndromes, Hereditary; Hereditary neoplastic syndrome. Identifiers: Orphanet 140162, MedGen C0027672, MeSH D009386, MONDO:0015356.

Submissions (2):

Ambry Genetics
Classification: Uncertain significance for Hereditary cancer-predisposing syndrome. Last evaluated: 2026-06-09. Review status: criteria provided, single submitter. Criteria: Ambry Variant Classification Scheme 2023. Collection method: clinical testing. Allele origin: germline.
Comment: The c.708_719del12 variant (also known as p.G241_P244del) is located in coding exon 3 of the SMARCA4 gene. This variant results from an in-frame TGGCCCCGGCCC deletion at nucleotide positions 708 to 719. This results in the in-frame deletion of a glycine, proline, glycine and proline at codons 241 to 244. This amino acid region is generally well conserved in available vertebrate species. In addition, this variant is predicted to be neutral by in silico analysis (Choi Y et al. PLoS ONE. 2012; 7(10):e46688). Based on the available evidence, the clinical significance of this variant remains unclear.

Labcorp Genetics (formerly Invitae), Labcorp
Classification: Uncertain significance for Rhabdoid tumor predisposition syndrome 2. Last evaluated: 2022-11-11. Review status: criteria provided, single submitter. Criteria: Invitae Variant Classification Sherloc (09022015). Collection method: clinical testing. Allele origin: germline.
Comment: This variant, c.708_719del, results in the deletion of 4 amino acid(s) of the SMARCA4 protein (p.Gly241_Pro244del), but otherwise preserves the integrity of the reading frame. This variant is present in population databases (no rsID available, gnomAD no frequency). This variant has not been reported in the literature in individuals affected with SMARCA4-related conditions. ClinVar contains an entry for this variant (Variation ID: 645836). Experimental studies and prediction algorithms are not available or were not evaluated, and the functional significance of this variant is currently unknown. In summary, the available evidence is currently insufficient to determine the role of this variant in disease. Therefore, it has been classified as a Variant of Uncertain Significance.

NM_003072.5(SMARCA4):c.708_719del (p.229GP[6])

Gene: SMARCA4 (SWI/SNF related BAF chromatin remodeling complex subunit ATPase 4; plus strand). Cytogenetic location: 19p13.2.
Variant type: Deletion.
Coding change: c.708_719del on transcript NM_003072.5 (MANE Select); coding-DNA positions 708 to 719, 12 bases deleted (TGGCCCCGGCCC).
Protein change: p.229GP[6].
Molecular consequence: inframe deletion. On other transcripts: non-coding transcript variant (1).
Genome position (GRCh38, 1-based): chr19:10,986,541-10,986,552, TGGCCCCGGCCC deleted; deleting any 12 consecutive bases within chr19:10,986,536-10,986,552 gives the same sequence; the c. name uses the placement nearest the transcript's 3' end. VCF-style (leftmost placement, unchanged base first): chr19-10986535-TGGCCCTGGCCCC-T. GRCh37 (hg19) VCF-style: chr19-11097211-TGGCCCTGGCCCC-T.
Other names: c.708_719del, p.229GP[6] (NM_001128844.3, NM_001128845.2, NM_001128846.2 and 5 more transcripts); c.708_719del (NM_001128849.1); c.708_719del12 (NM_001128849.1).
Identifiers: ClinVar variation 645836 (VCV000645836.8), dbSNP rs1555753680, ClinGen allele CA632115178.
Genomic context (GRCh38, chr19:10,986,535, plus strand): 5'-GCAGCAGATGCCAACGCTACCTCCACCCTCGGTGTCCGCAACAGGACCCGGCCCTGGCCC[TGGCCCTGGCCCC>T]GGCCCGGGTCCCGGCCCGGCACCTCCAAATTACAGCAGGCCTCATGGTAAGACTGGCTGC-3'